The following is an entry in ClinVar:

ClinVar aggregate classification (germline): Conflicting classifications of pathogenicity. Review status: criteria provided, conflicting classifications (1 of 4 stars). 7 submissions from 7 submitters: Uncertain significance (6); Likely benign (1). Last evaluated 2026-05-27.

Conditions:
Familial thoracic aortic aneurysm and aortic dissection (TAAD). Also called: Thoracic aortic aneurysms and dissections. Identifiers: Orphanet 91387, MedGen C4707243, MONDO:0019625.
Ehlers-Danlos syndrome, type 4 (EDSVASC). Also called: Ehlers-Danlos syndrome vascular type; Ehlers Danlos syndrome, ecchymotic type; Ehlers Danlos syndrome, arterial type; Ehlers Danlos syndrome, Sack-Barabas type; Ehlers-Danlos Syndrome Type IV. Identifiers: Orphanet 286, MedGen C0268338, MONDO:0017314, OMIM 130050.
Polymicrogyria with or without vascular-type Ehlers-Danlos syndrome. Identifiers: Orphanet 636941, MedGen C5193040, MONDO:0032688, OMIM 618343.

Allele frequency attached by ClinVar (database versions not stated): TOPMed 0.00004; ExAC 0.00002; gnomAD 0.00002.
gnomAD v4.1: 43 of 1,613,800 alleles (0.0027%); highest among the groups gnomAD compares: Admixed American, 0.022%; no homozygotes.

Submissions (7):

Ambry Genetics
Classification: Likely benign for Familial thoracic aortic aneurysm and aortic dissection. Last evaluated: 2026-05-27. Review status: criteria provided, single submitter. Criteria: Ambry Variant Classification Scheme 2023. Collection method: clinical testing. Allele origin: germline.

Labcorp Genetics (formerly Invitae), Labcorp
Classification: Uncertain significance for Ehlers-Danlos syndrome, type 4. Last evaluated: 2025-12-30. Review status: criteria provided, single submitter. Criteria: Invitae Variant Classification Sherloc (09022015). Collection method: clinical testing. Allele origin: germline.
Comment: This sequence change replaces threonine, which is neutral and polar, with isoleucine, which is neutral and non-polar, at codon 632 of the COL3A1 protein (p.Thr632Ile). This variant is present in population databases (rs769039976, gnomAD 0.02%). This variant has not been reported in the literature in individuals affected with COL3A1-related conditions. ClinVar contains an entry for this variant (Variation ID: 654403). Invitae Evidence Modeling of protein sequence and biophysical properties (such as structural, functional, and spatial information, amino acid conservation, physicochemical variation, residue mobility, and thermodynamic stability) indicates that this missense variant is not expected to disrupt COL3A1 protein function with a negative predictive value of 95%. In summary, the available evidence is currently insufficient to determine the role of this variant in disease. Therefore, it has been classified as a Variant of Uncertain Significance.

All of Us Research Program, National Institutes of Health
Classification: Uncertain significance for Ehlers-Danlos syndrome, type 4. Last evaluated: 2024-09-23. Review status: criteria provided, single submitter. Criteria: ACMG Guidelines, 2015. Collection method: clinical testing. Allele origin: germline. Inheritance: Autosomal dominant inheritance. Observed: 19 variant alleles, 19 heterozygotes.
Comment: This missense variant replaces threonine with isoleucine at codon 632 of the COL3A1 protein. Computational prediction suggests that this variant may not impact protein structure and function (internally defined REVEL score threshold <= 0.5, PMID: 27666373). To our knowledge, functional studies have not been reported for this variant. This variant has not been reported in individuals affected with cardiovascular disorders in the literature. This variant has been identified in 14/251160 chromosomes in the general population by the Genome Aggregation Database (gnomAD). The available evidence is insufficient to determine the role of this variant in disease conclusively. Therefore, this variant is classified as a Variant of Uncertain Significance.

This study involves interpretation of variants in research participants for the purpose of population health screening. Participant phenotype was not available at the time of variant classification. Additional details can be found in publication PMID: 35346344, PMCID: PMC8962531

Color Diagnostics, LLC DBA Color Health
Classification: Uncertain significance for Familial thoracic aortic aneurysm and aortic dissection. Last evaluated: 2024-03-06. Review status: criteria provided, single submitter. Criteria: ACMG Guidelines, 2015. Collection method: clinical testing. Allele origin: germline.
Comment: This missense variant replaces threonine with isoleucine at codon 632 of the COL3A1 protein. Computational prediction suggests that this variant may not impact protein structure and function (internally defined REVEL score threshold <= 0.5, PMID: 27666373). To our knowledge, functional studies have not been reported for this variant. This variant has not been reported in individuals affected with cardiovascular disorders in the literature. This variant has been identified in 14/251160 chromosomes in the general population by the Genome Aggregation Database (gnomAD). The available evidence is insufficient to determine the role of this variant in disease conclusively. Therefore, this variant is classified as a Variant of Uncertain Significance.

Blueprint Genetics
Classification: Uncertain significance. Last evaluated: 2022-05-11. Review status: criteria provided, single submitter. Criteria: ACMG Guidelines, 2015. Collection method: clinical testing. Allele origin: germline.

Fulgent Genetics
Classification: Uncertain significance for Ehlers-Danlos syndrome, type 4; Polymicrogyria with or without vascular-type Ehlers-Danlos syndrome. Last evaluated: 2022-04-27. Review status: criteria provided, single submitter. Criteria: ACMG Guidelines, 2015. Collection method: clinical testing. Allele origin: unknown.

GeneDx
Classification: Uncertain significance. Last evaluated: 2022-04-26. Review status: criteria provided, single submitter. Criteria: GeneDx Variant Classification Process June 2021. Collection method: clinical testing. Allele origin: germline. Affected: yes.
Comment: Has not been previously published as pathogenic or benign to our knowledge; Occurs in the triple helical domain at the Y position in the canonical Gly-X-Y repeat; although this variant may have an effect on normal protein folding and function, missense substitution at the Y position is not a common mechanism of disease (HGMD); In silico analysis supports that this missense variant does not alter protein structure/function

NM_000090.4(COL3A1):c.1895C>T (p.Thr632Ile)

Gene: COL3A1 (collagen type III alpha 1 chain; plus strand). Cytogenetic location: 2q32.2.
Variant type: single nucleotide variant.
Coding change: c.1895C>T on transcript NM_000090.4 (MANE Select); coding-DNA position 1895, C replaced by T.
Protein change: p.Thr632Ile; replaces threonine 632 with isoleucine.
Molecular consequence: missense variant.
Genome position (GRCh38, 1-based): chr2:188,997,725, C>T. VCF-style: chr2-188997725-C-T. GRCh37 (hg19) VCF-style: chr2-189862451-C-T.
Other names: short protein forms T632I.
Identifiers: ClinVar variation 654403 (VCV000654403.19), dbSNP rs769039976, ClinGen allele CA074810.
Genomic context (GRCh38, chr2:188,997,725, plus strand): 5'-TGTTTACAACAGAGTGTATCATTATACTTTTCTAGGGGCCTGGTGGTGACAAAGGAGACA[C>T]AGGACCCCCTGGTCCACAAGGATTACAAGTAAGAACTTGTTATTTAAATGTCACGGCATA-3'
Protein context (NP_000081.2, residues 622-642): PTGPGGDKGD[Thr632Ile]GPPGPQGLQG